The following is an entry in ClinVar:

NM_032608.7(MYO18B):c.6297G>A (p.Thr2099=)

Gene: MYO18B (myosin XVIIIB; plus strand). Cytogenetic location: 22q12.1.
Variant type: single nucleotide variant.
Coding change: c.6297G>A on transcript NM_032608.7 (MANE Select); coding-DNA position 6297, G replaced by A.
Protein change: p.Thr2099=; no amino-acid change (threonine 2099 retained).
Molecular consequence: synonymous variant.
Genome position (GRCh38, 1-based): chr22:26,003,274, G>A. VCF-style: chr22-26003274-G-A. GRCh37 (hg19) VCF-style: chr22-26399240-G-A.
Other names: c.6300G>A, p.Thr2100= (NM_001318245.2).
Identifiers: ClinVar variation 713487 (VCV000713487.10), dbSNP rs375873272, ClinGen allele CA10161482.

ClinVar aggregate classification (germline): Benign/Likely benign. Review status: criteria provided, multiple submitters, no conflicts (2 of 4 stars). 2 submissions from 2 submitters: Benign (1); Likely benign (1). Last evaluated 2026-01-26.

Conditions:
MYO18B-related disorder. Also called: MYO18B-related condition.

Allele frequency attached by ClinVar (database versions not stated): gnomAD exomes 0.00063 and 0.00138; gnomAD 0.00077 and 0.00081; TOPMed 0.00089; ESP Exome Variant Server 0.00104; ExAC 0.00151.
gnomAD v4.1: 1,132 of 1,609,318 alleles (0.07%); highest among the groups gnomAD compares: Admixed American, 0.044%; 18 homozygotes.

Submissions (2):

Labcorp Genetics (formerly Invitae), Labcorp
Classification: Benign. Last evaluated: 2026-01-26. Review status: criteria provided, single submitter. Criteria: Invitae Variant Classification Sherloc (09022015). Collection method: clinical testing. Allele origin: germline.

PreventionGenetics, part of Exact Sciences
Classification: Likely benign for MYO18B-related condition. Last evaluated: 2024-12-16. Review status: criteria provided, single submitter. Criteria: ACMG Guidelines, 2015. Collection method: clinical testing. Allele origin: germline.
Comment: This variant is classified as likely benign based on ACMG/AMP sequence variant interpretation guidelines (Richards et al. 2015 PMID: 25741868, with internal and published modifications).